The following is an entry in ClinVar:

ClinVar aggregate classification (germline): Uncertain significance. Review status: criteria provided, multiple submitters, no conflicts (2 of 4 stars). 3 submissions from 3 submitters: Uncertain significance (3). Last evaluated 2023-06-07.

Conditions:
Holoprosencephaly 5 (HPE5). Identifiers: Orphanet 2162, MedGen C1864827, MONDO:0012322, OMIM 609637.

Allele frequency attached by ClinVar (database versions not stated): TOPMed below 0.00001; gnomAD exomes 0.00001.

Submissions (3):

Labcorp Genetics (formerly Invitae), Labcorp
Classification: Uncertain significance for Holoprosencephaly 5. Last evaluated: 2023-06-07. Review status: criteria provided, single submitter. Criteria: Invitae Variant Classification Sherloc (09022015). Collection method: clinical testing. Allele origin: germline.
Comment: In summary, the available evidence is currently insufficient to determine the role of this variant in disease. Therefore, it has been classified as a Variant of Uncertain Significance. Advanced modeling of protein sequence and biophysical properties (such as structural, functional, and spatial information, amino acid conservation, physicochemical variation, residue mobility, and thermodynamic stability) performed at Invitae indicates that this missense variant is not expected to disrupt ZIC2 protein function. ClinVar contains an entry for this variant (Variation ID: 930518). This variant has not been reported in the literature in individuals affected with ZIC2-related conditions. This variant is present in population databases (no rsID available, gnomAD 0.002%). This sequence change replaces glutamic acid, which is acidic and polar, with valine, which is neutral and non-polar, at codon 305 of the ZIC2 protein (p.Glu305Val).

CeGaT Center for Human Genetics Tuebingen
Classification: Uncertain significance. Last evaluated: 2023-05-01. Review status: criteria provided, single submitter. Criteria: CeGaT Center For Human Genetics Tuebingen Variant Classification Criteria Version 2. Collection method: clinical testing. Allele origin: germline. Affected: yes. Observed: 1 variant allele.
Comment: ZIC2: PP2

Centre for Mendelian Genomics, University Medical Centre Ljubljana
Classification: Uncertain significance for Holoprosencephaly 5. Last evaluated: 2019-07-26. Review status: criteria provided, single submitter. Criteria: ACMG Guidelines, 2015. Collection method: clinical testing. Allele origin: unknown. Affected: yes.
Comment: This variant was classified as: Uncertain significance. The available evidence on this variant's pathogenicity is insufficient or conflicting. The following ACMG criteria were applied in classifying this variant: PP3.

NM_007129.5(ZIC2):c.914A>T (p.Glu305Val)

Gene: ZIC2 (Zic family zinc finger 2; plus strand). Cytogenetic location: 13q32.3.
Variant type: single nucleotide variant.
Coding change: c.914A>T on transcript NM_007129.5 (MANE Select); coding-DNA position 914, A replaced by T.
Protein change: p.Glu305Val; replaces glutamic acid 305 with valine.
Molecular consequence: missense variant.
Genome position (GRCh38, 1-based): chr13:99,982,978, A>T. VCF-style: chr13-99982978-A-T. GRCh37 (hg19) VCF-style: chr13-100635232-A-T.
Other names: short protein forms E305V.
Identifiers: ClinVar variation 930518 (VCV000930518.29), dbSNP rs897501049, ClinGen allele CA255394956.
Genomic context (GRCh38, chr13:99,982,978, plus strand): 5'-CACACGTCTCGGTGGAGCACGTCGGCGGCCCGGAGCAGAGCAACCACGTCTGCTTCTGGG[A>T]GGAGTGTCCGCGCGAGGGCAAGCCCTTCAAGGCCAAATACAAACTGGTCAACCACATCCG-3'
Protein context (NP_009060.2, residues 295-315): PEQSNHVCFW[Glu305Val]ECPREGKPFK